The following is an entry in ClinVar:

ClinVar aggregate classification (germline): Pathogenic (1 of 4 stars; one submission).

Submission:

Labcorp Genetics (formerly Invitae), Labcorp
Classification: Pathogenic. Last evaluated: 2019-01-19. Review status: criteria provided, single submitter. Criteria: Invitae Variant Classification Sherloc (09022015). Collection method: clinical testing. Allele origin: germline.
Comment: For these reasons, this variant has been classified as Pathogenic. This variant disrupts the C-terminus of the NSD1 protein. Another variant that disrupts this region (p.Glu2564*) has been determined to be pathogenic (Invitae). This suggests that variants that disrupt this region of the protein are likely to be causative of disease. This variant has not been reported in the literature in individuals with NSD1-related conditions. This variant is not present in population databases (ExAC no frequency). This sequence change results in a premature translational stop signal in the NSD1 gene (p.Cys2183Valfs*111). While this is not anticipated to result in nonsense mediated decay, it is expected to disrupt the last 514 amino acids of the NSD1 protein.

NM_022455.5(NSD1):c.6543del (p.Cys2183fs)

Gene: NSD1 (nuclear receptor binding SET domain protein 1; plus strand). Cytogenetic location: 5q35.3.
Variant type: Deletion.
Coding change: c.6543del on transcript NM_022455.5 (MANE Select); coding-DNA position 6543, one base deleted (C; older notation c.6543delC).
Protein change: p.Cys2183fs; shifts the reading frame from cysteine 2183.
Molecular consequence: frameshift variant.
Genome position (GRCh38, 1-based): chr5:177,293,911, C deleted; the last of 2 consecutive C bases (chr5:177,293,910-177,293,911); deleting either gives the same sequence. VCF-style (leftmost placement, unchanged base first): chr5-177293909-TC-T. GRCh37 (hg19) VCF-style: chr5-176720910-TC-T.
Other names: c.5670delC, p.Cys1892Valfs (NM_001365684.2, NM_001409308.1, NM_172349.5); c.6543delC, p.Cys2183Valfs (NM_001409301.1, NM_001409302.1, NM_001409303.1 and 1 more transcripts); c.6123delC, p.Cys2043Valfs (NM_001409304.1); c.5790delC, p.Cys1932Valfs (NM_001409305.1); c.5781delC, p.Cys1929Valfs (NM_001409306.1, NM_001409307.1); c.5421delC, p.Cys1809Valfs (NM_001409309.1); short protein forms C2183fs, C1914fs.
Identifiers: ClinVar variation 859553 (VCV000859553.10), dbSNP rs1760062897, ClinGen allele CA916081473.